The following is an entry in ClinVar:

NM_001040142.2(SCN2A):c.2995G>A (p.Glu999Lys)

Gene: SCN2A (sodium voltage-gated channel alpha subunit 2; plus strand). Cytogenetic location: 2q24.3.
Variant type: single nucleotide variant.
Coding change: c.2995G>A on transcript NM_001040142.2 (MANE Select); coding-DNA position 2995, G replaced by A.
Protein change: p.Glu999Lys; replaces glutamic acid 999 with lysine.
Molecular consequence: missense variant.
Genome position (GRCh38, 1-based): chr2:165,354,267, G>A. VCF-style: chr2-165354267-G-A. GRCh37 (hg19) VCF-style: chr2-166210777-G-A.
Other names: p.E999K:GAA>AAA; c.2995G>A, p.Glu999Lys (NM_001040143.2, NM_001371246.1, NM_001371247.1 and 1 more transcripts); short protein forms E999K.
Identifiers: ClinVar variation 206981 (VCV000206981.44), dbSNP rs796053126, ClinGen allele CA317910.

ClinVar aggregate classification (germline): Pathogenic/Likely pathogenic. Review status: criteria provided, multiple submitters, no conflicts (2 of 4 stars). 8 submissions from 7 submitters: Pathogenic (4); Likely pathogenic (1). 3 of the submissions do not count toward it. Last evaluated 2025-05-04.

Conditions:
Complex neurodevelopmental disorder. Identifiers: Orphanet 528084, MedGen C5568766, MONDO:0100038.
West syndrome. Also called: Infantile epileptic spasms syndrome. Identifiers: Orphanet 3451, Orphanet 697160, MedGen C0037769, MONDO:0018097. Disease mechanism: loss of function.
Developmental and epileptic encephalopathy, 11 (DEE11). Also called: Early infantile epileptic encephalopathy 11. Identifiers: Orphanet 1934, MedGen C3150987, MONDO:0013388, OMIM 613721.
Epilepsy of infancy with migrating focal seizures. Identifiers: MedGen C4518639, MONDO:0100025.
SCN2A-related disorder. Also called: SCN2A-related disorders; SCN2A-related condition. Identifiers: MedGen CN382226, MONDO:1060245.
Developmental and epileptic encephalopathy, 30 (DEE30). Also called: Epileptic encephalopathy, early infantile, 30. Identifiers: MedGen C4225360, MONDO:0014595, OMIM 616341.
Seizures, benign familial infantile, 3 (BFIS3). Also called: Familial neonatal seizures; CONVULSIONS, BENIGN FAMILIAL INFANTILE, 3. Identifiers: Orphanet 140927, Orphanet 306, MedGen C1843140, MONDO:0011904, OMIM 607745.

Submissions (9):

GeneDx
Classification: Pathogenic. Last evaluated: 2025-05-04. Review status: criteria provided, single submitter. Criteria: GeneDx Variant Classification Process June 2021. Collection method: clinical testing. Allele origin: germline. Affected: yes.
Comment: Not observed at significant frequency in large population cohorts (gnomAD); This substitution is predicted to be in the cytoplasmic loop between the second and third homologous domains; In silico analysis supports that this missense variant has a deleterious effect on protein structure/function; This variant is associated with the following publications: (PMID: 29655203, 32090326, 26648591, 26993267, 23935176, 27867041, 28078312, 28837158, 30182498, 31054490, 31780880, 32400968, 31440721, 34380004, 35431799, 37578743, 37329172, 38651838)

Labcorp Genetics (formerly Invitae), Labcorp
Classification: Pathogenic for Seizures, benign familial infantile, 3; Developmental and epileptic encephalopathy, 11. Last evaluated: 2024-04-22. Review status: criteria provided, single submitter. Criteria: Invitae Variant Classification Sherloc (09022015). Collection method: clinical testing. Allele origin: germline.
Comment: This sequence change replaces glutamic acid, which is acidic and polar, with lysine, which is basic and polar, at codon 999 of the SCN2A protein (p.Glu999Lys). This variant is not present in population databases (gnomAD no frequency). This missense change has been observed in individual(s) with early onset epileptic encephalopathy (PMID: 23935176, 26648591, 26993267, 27867041, 28379373). In at least one individual the variant was observed to be de novo. ClinVar contains an entry for this variant (Variation ID: 206981). Advanced modeling of protein sequence and biophysical properties (such as structural, functional, and spatial information, amino acid conservation, physicochemical variation, residue mobility, and thermodynamic stability) performed at Invitae indicates that this missense variant is expected to disrupt SCN2A protein function with a positive predictive value of 95%. For these reasons, this variant has been classified as Pathogenic.

Rady Children's Institute for Genomic Medicine, Rady Children's Hospital San Diego
Classification: Pathogenic for SCN2A-related disorders. Last evaluated: 2023-11-21. Review status: criteria provided, single submitter. Criteria: ACMG Guidelines, 2015. Collection method: clinical testing. Allele origin: germline. Affected: yes.
Comment: Missense variation is an established mechanism of disease for SCN2A-related disorders (PMID: 26291284). The c.2995G>A (p.Glu999Lys) variant affects a highly conserved amino acid and is predicted by multiple in silico tools to have a deleterious effect on protein function. This variant has been previously reported as a heterozygous change in patients with focal seizures, developmental and epileptic encephalopathy, Ohtahara syndrome, and severe intellectual disability (PMID: 23935176, 26648591, 26993267, 27867041, 28379373), including de novo detection in multiple affected individuals (PMID: 26993267, RCIGM Internal data). A different amino acid change at the same residue (p.Glu999Val) has been previously reported in an individual with developmental and epileptic encephalopathy (PMID: 26993267). Functional studies indicate this variant may alter sodium channel activity (PMID: 32400968). The c.2995G>A (p.Glu999Lys) variant is absent from the gnomAD population database and thus is presumed to be rare. Analysis of the parental samples was negative for the variant, indicating this variant likely occurred as a de novo event. Based on the available evidence, c.2995G>A (p.Glu999Lys) is classified as Pathogenic.

Baylor Genetics
Classification: Pathogenic for Developmental and epileptic encephalopathy, 11. Last evaluated: 2020-02-06. Review status: criteria provided, single submitter. Criteria: ACMG Guidelines, 2015. Collection method: clinical testing. Allele origin: unknown. Affected: yes.
Comment: This variant was determined to be pathogenic according to ACMG Guidelines, 2015 [PMID:25741868].

NeuroMeGen, Hospital Clinico Santiago de Compostela
Classification: Likely pathogenic for Developmental and epileptic encephalopathy, 11. Review status: criteria provided, single submitter. Criteria: ACMG Guidelines, 2015. Collection method: clinical testing. Allele origin: unknown. Affected: yes.

Neurology Department, Shenzhen Children's Hospital
Classification: Pathogenic. Last evaluated: 2022-02-16. Review status: no assertion criteria provided. Collection method: clinical testing. Allele origin: de novo. Affected: yes. Not counted in ClinVar's aggregate classification.

Neurology Department, Shenzhen Children's Hospital
Classification: Pathogenic for Epilepsy of infancy with migrating focal seizures. Last evaluated: 2022-02-16. Review status: no assertion criteria provided. Collection method: clinical testing. Allele origin: de novo. Affected: yes. Not counted in ClinVar's aggregate classification.

Channelopathy-Associated Epilepsy Research Center
No classification provided (evidence only). Condition: Complex neurodevelopmental disorder. Review status: no classification provided. Collection method: literature only. Allele origin: not applicable. Functional consequence: Moderate hyperpolarizing shift of voltage dependence of activation, Acceleration of recovery from fast inactivation, Normal peak current, Normal slope of activation, Normal voltage dependence of fast inactivation, Normal slope of fast inactivation, Overall gain-of-function. Not counted in ClinVar's aggregate classification.
ClinVar note: "not provided" was previously submitted as the classification for the variant. However, the classification appeared to be based only on an observation of functional data so it was converted to no classification on 2025-07-30.

Department of Neurology, Children’s Hospital of Chongqing Medical University
Classification: Pathogenic for Developmental and epileptic encephalopathy, 30. Review status: no assertion criteria provided. Criteria: ACMG Guidelines, 2015. Collection method: research. Allele origin: de novo. Affected: yes. Not counted in ClinVar's aggregate classification.

Literature cited by the submitters: PubMed 23935176 (cited by Labcorp Genetics (formerly Invitae), Labcorp and NeuroMeGen, Hospital Clinico Santiago de Compostela); PubMed 26648591 (cited by Labcorp Genetics (formerly Invitae), Labcorp); PubMed 26993267 (cited by Labcorp Genetics (formerly Invitae), Labcorp); PubMed 27867041 (cited by Labcorp Genetics (formerly Invitae), Labcorp); PubMed 28379373 (cited by Labcorp Genetics (formerly Invitae), Labcorp); PubMed 26291284 (cited by Rady Children's Institute for Genomic Medicine, Rady Children's Hospital San Diego); 23935176 (cited by Rady Children's Institute for Genomic Medicine, Rady Children's Hospital San Diego); 26648591 (cited by Rady Children's Institute for Genomic Medicine, Rady Children's Hospital San Diego); 26993267 (cited by Rady Children's Institute for Genomic Medicine, Rady Children's Hospital San Diego); 27867041 (cited by Rady Children's Institute for Genomic Medicine, Rady Children's Hospital San Diego); 28379373 (cited by Rady Children's Institute for Genomic Medicine, Rady Children's Hospital San Diego); 32400968 (cited by Rady Children's Institute for Genomic Medicine, Rady Children's Hospital San Diego); PubMed 32400968 (cited by Channelopathy-Associated Epilepsy Research Center).